The following is an entry in ClinVar:

ClinVar aggregate classification (germline): Conflicting classifications of pathogenicity. Review status: criteria provided, conflicting classifications (1 of 4 stars). 2 submissions from 2 submitters: Likely pathogenic (1); Uncertain significance (1). Last evaluated 2022-07-05.

Conditions:
Duchenne muscular dystrophy (DMD). Also called: Duchenne Muscular Dystrophy (DMD); MUSCULAR DYSTROPHY, PSEUDOHYPERTROPHIC PROGRESSIVE, DUCHENNE TYPE. Identifiers: Orphanet 98896, MedGen C0013264, MONDO:0010679, OMIM 310200.

Submissions (2):

Labcorp Genetics (formerly Invitae), Labcorp
Classification: Uncertain significance for Duchenne muscular dystrophy. Last evaluated: 2022-07-05. Review status: criteria provided, single submitter. Criteria: Invitae Variant Classification Sherloc (09022015). Collection method: clinical testing. Allele origin: germline.
Comment: In summary, the available evidence is currently insufficient to determine the role of this variant in disease. Therefore, it has been classified as a Variant of Uncertain Significance. Algorithms developed to predict the effect of missense changes on protein structure and function are either unavailable or do not agree on the potential impact of this missense change (SIFT: "Deleterious"; PolyPhen-2: "Benign"; Align-GVGD: "Class C25"). ClinVar contains an entry for this variant (Variation ID: 94865). This missense change has been observed in individuals with Becker muscular dystrophy (PMID: 28859693). This variant is not present in population databases (gnomAD no frequency). This sequence change replaces histidine, which is basic and polar, with arginine, which is basic and polar, at codon 3299 of the DMD protein (p.His3299Arg).

CeGaT Center for Human Genetics Tuebingen
Classification: Likely pathogenic. Last evaluated: 2020-04-01. Review status: criteria provided, single submitter. Criteria: CeGaT Center For Human Genetics Tuebingen Variant Classification Criteria Version 2. Collection method: clinical testing. Allele origin: germline. Affected: yes. Observed: 1 variant allele.

Literature cited by the submitters: PubMed 28859693 (cited by Labcorp Genetics (formerly Invitae), Labcorp).

NM_004006.3(DMD):c.9896A>G (p.His3299Arg)

Gene: DMD (dystrophin; minus strand). Cytogenetic location: Xp21.2.
Variant type: single nucleotide variant.
Coding change: c.9896A>G on transcript NM_004006.3 (MANE Select); coding-DNA position 9896, A replaced by G.
Protein change: p.His3299Arg; replaces histidine 3299 with arginine.
Molecular consequence: missense variant.
Genome position (GRCh38, 1-based): chrX:31,182,816, T>C on the plus strand (A>G on the coding strand, the complement: DMD is on the minus strand). VCF-style: chrX-31182816-T-C. GRCh37 (hg19) VCF-style: chrX-31200933-T-C.
Other names: c.9872A>G, p.His3291Arg (NM_000109.4); c.9884A>G, p.His3295Arg (NM_004009.3); c.9527A>G, p.His3176Arg (NM_004010.3); c.5873A>G, p.His1958Arg (NM_004011.4); c.5864A>G, p.His1955Arg (NM_004012.4); c.2516A>G, p.His839Arg (NM_004013.3, NM_004020.4, NM_004021.3 and 2 more transcripts); c.1709A>G, p.His570Arg (NM_004014.3); c.692A>G, p.His231Arg (NM_004015.3, NM_004016.3, NM_004017.3 and 2 more transcripts); short protein forms H1958R, H3295R, H570R, H1955R, H3176R, H839R, H3291R, H231R.
Identifiers: ClinVar variation 94865 (VCV000094865.45), dbSNP rs398124107, ClinGen allele CA222556.